The following is an entry in ClinVar:

ClinVar aggregate classification (germline): Benign (0 of 4 stars; one submission).

Conditions:
ALPK2-related disorder. Also called: ALPK2-related condition.

Allele frequency attached by ClinVar (database versions not stated): ESP Exome Variant Server 0.28741; TOPMed 0.29220; gnomAD 0.30663; 1000 Genomes Project 30x 0.32979; 1000 Genomes Project 0.33746; gnomAD exomes 0.37022; ExAC 0.38151.
gnomAD v4.1: 587,388 of 1,613,472 alleles (36%); highest among the groups gnomAD compares: East Asian, 54%; 111,465 homozygotes.

Submission:

PreventionGenetics, part of Exact Sciences
Classification: Benign for ALPK2-related condition. Last evaluated: 2019-10-18. Review status: no assertion criteria provided. Collection method: clinical testing. Allele origin: germline.
Comment: This variant is classified as benign based on ACMG/AMP sequence variant interpretation guidelines (Richards et al. 2015 PMID: 25741868, with internal and published modifications).

NM_052947.4(ALPK2):c.2775A>C (p.Val925=)

Gene: ALPK2 (alpha kinase 2; minus strand). Cytogenetic location: 18q21.31.
Variant type: single nucleotide variant.
Coding change: c.2775A>C on transcript NM_052947.4 (MANE Select); coding-DNA position 2775, A replaced by C.
Protein change: p.Val925=; no amino-acid change (valine 925 retained).
Molecular consequence: synonymous variant.
Genome position (GRCh38, 1-based): chr18:58,537,412, T>G on the plus strand (A>C on the coding strand, the complement: ALPK2 is on the minus strand). VCF-style: chr18-58537412-T-G. GRCh37 (hg19) VCF-style: chr18-56204644-T-G.
Identifiers: ClinVar variation 3059305 (VCV003059305.2), dbSNP rs12963422, ClinGen allele CA8977014.